The following is an entry in ClinVar:

NM_021160.3(ABHD16A):c.1226T>G (p.Leu409Arg)

Gene: ABHD16A (abhydrolase domain containing 16A, phospholipase; minus strand). Cytogenetic location: 6p21.33.
Variant type: single nucleotide variant.
Coding change: c.1226T>G on transcript NM_021160.3 (MANE Select); coding-DNA position 1226, T replaced by G.
Protein change: p.Leu409Arg; replaces leucine 409 with arginine.
Molecular consequence: missense variant. On other transcripts: non-coding transcript variant (2).
Genome position (GRCh38, 1-based): chr6:31,688,747, A>C on the plus strand (T>G on the coding strand, the complement: ABHD16A is on the minus strand). VCF-style: chr6-31688747-A-C. GRCh37 (hg19) VCF-style: chr6-31656524-A-C.
Other names: c.1127T>G, p.Leu376Arg (NM_001177515.2); short protein forms L376R, L409R.
Identifiers: ClinVar variation 1199389 (VCV001199389.2), dbSNP rs2151222951, ClinGen allele CA363337895.
Genomic context (GRCh38, chr6:31,688,747, plus strand): 5'-GCAGGTGTTCAATGCCGGACGCTGGCCGGCCCTCACCTGCACAGCTGCTCCGCGTTGTTT[A>C]GATTGAGATGCTGCCTCACGGTCCTGGTCACCAGGCCCCCTAGAGTGGGATAAAGGTGAA-3'
Protein context (NP_066983.1, residues 399-419): VTRTVRQHLN[Leu409Arg]NNAEQLCRYQ

ClinVar aggregate classification (germline): Uncertain significance. Review status: criteria provided, single submitter (1 of 4 stars). 2 submissions from 2 submitters: Uncertain significance (1). 1 of the submissions does not count toward it. Last evaluated 2021-07-01.

Conditions:
Spastic paraplegia. Identifiers: MedGen C0037772, HP:0001258.
Spastic paraplegia 86, autosomal recessive (SPG86). Identifiers: Orphanet 631085, MedGen C5676910, MONDO:0030673, OMIM 619735.

gnomAD v4.1: 1 of 1,613,038 alleles (0.000062%); highest among the groups gnomAD compares: Non-Finnish European, 0.000085%; no homozygotes.

Submissions (2):

Care4Rare-SOLVE, CHEO
Classification: Uncertain significance for Spastic paraplegia. Last evaluated: 2021-07-01. Review status: criteria provided, single submitter. Criteria: ACMG Guidelines, 2015. Collection method: research. Allele origin: germline. Affected: yes. Observed: 2 variant alleles, 2 homozygotes.
Comment: This variant was identified in siblings affected with a complex form of hereditary spastic paraplegia. In silico programs predict a deleterious effect on the protein (CADD, MutationTaster, Polyphen-2)

OMIM
Classification: Pathogenic for SPASTIC PARAPLEGIA 86, AUTOSOMAL RECESSIVE. Last evaluated: 2022-02-09. Review status: no assertion criteria provided. Collection method: literature only. Allele origin: germline. Not counted in ClinVar's aggregate classification.

Literature cited by the submitters: DOI 10.1016/j.ajhg.2021.09.005 (cited by Care4Rare-SOLVE, CHEO); PubMed 34587489 (cited by OMIM).